The following is an entry in ClinVar:

NM_004970.3(IGFALS):c.832G>A (p.Val278Met)

Gene: IGFALS (insulin like growth factor binding protein acid labile subunit; minus strand). Cytogenetic location: 16p13.3.
Variant type: single nucleotide variant.
Coding change: c.832G>A on transcript NM_004970.3 (MANE Select); coding-DNA position 832, G replaced by A.
Protein change: p.Val278Met; replaces valine 278 with methionine.
Molecular consequence: missense variant. On other transcripts: non-coding transcript variant (1).
Genome position (GRCh38, 1-based): chr16:1,791,586, C>T on the plus strand (G>A on the coding strand, the complement: IGFALS is on the minus strand). VCF-style: chr16-1791586-C-T. GRCh37 (hg19) VCF-style: chr16-1841587-C-T.
Other names: c.946G>A, p.Val316Met (NM_001146006.2); short protein forms V278M, V316M.
Identifiers: ClinVar variation 3906440 (VCV003906440.2).
Genomic context (GRCh38, chr16:1,791,586, plus strand): 5'-ACAGCCGCAGCACACGCAGGCCCAGCAGACCGGGGAACGTGTCCTCCAGGAGGCCAGCCA[C>T]GCGGTTGTGGGACAGGTCCAGCCATCGCAGCGCCTTCAGGCCCAGGAAGGCGCCCGGGGC-3'
Protein context (NP_004961.1, residues 268-288): LRWLDLSHNR[Val278Met]AGLLEDTFPG

ClinVar aggregate classification (germline): Uncertain significance. Review status: criteria provided, multiple submitters, no conflicts (2 of 4 stars). 2 submissions from 2 submitters: Uncertain significance (2). Last evaluated 2024-12-23.

gnomAD v4.1: 33 of 1,563,268 alleles (0.0021%); highest among the groups gnomAD compares: African/African-American, 0.011%; 1 homozygote.

Submissions (2):

GeneDx
Classification: Uncertain significance. Last evaluated: 2024-12-23. Review status: criteria provided, single submitter. Criteria: GeneDx Variant Classification Process June 2021. Collection method: clinical testing. Allele origin: germline. Affected: yes.
Comment: In silico analysis indicates that this missense variant does not alter protein structure/function; Has not been previously published as pathogenic or benign to our knowledge

Blueprint Genetics
Classification: Uncertain significance. Last evaluated: 2022-04-08. Review status: criteria provided, single submitter. Criteria: ACMG Guidelines, 2015. Collection method: clinical testing. Allele origin: germline.